The following is an entry in ClinVar:

NM_000179.3(MSH6):c.1290G>A (p.Gly430=)

Gene: MSH6 (mutS homolog 6; plus strand). Cytogenetic location: 2p16.3.
Variant type: single nucleotide variant.
Coding change: c.1290G>A on transcript NM_000179.3 (MANE Select); coding-DNA position 1290, G replaced by A.
Protein change: p.Gly430=; no amino-acid change (glycine 430 retained).
Molecular consequence: synonymous variant.
Genome position (GRCh38, 1-based): chr2:47,799,273, G>A. VCF-style: chr2-47799273-G-A. GRCh37 (hg19) VCF-style: chr2-48026412-G-A.
Other names: c.900G>A, p.Gly300= (NM_001281492.2); c.384G>A, p.Gly128= (NM_001281493.2, NM_001281494.2).
Identifiers: ClinVar variation 619547 (VCV000619547.10), dbSNP rs1558661242, ClinGen allele CA426120895.

ClinVar aggregate classification (germline): Conflicting classifications of pathogenicity. Review status: criteria provided, conflicting classifications (1 of 4 stars). 4 submissions from 4 submitters: Uncertain significance (1); Benign (1); Likely benign (2). Last evaluated 2024-12-26.

Conditions:
Hereditary nonpolyposis colorectal neoplasms. Identifiers: MedGen C0009405, MeSH D003123.
Lynch syndrome. Identifiers: Orphanet 144, MedGen C4552100, MONDO:0005835. Disease mechanism: loss of function.
Lynch syndrome 5 (LYNCH5). Also called: Hereditary non-polyposis colorectal cancer, type 5; Colorectal cancer, hereditary nonpolyposis, type 5. Identifiers: Orphanet 144, MedGen C1833477, MONDO:0013710, OMIM 614350. Disease mechanism: loss of function.

Submissions (4):

Myriad Genetics, Inc.
Classification: Benign for Lynch syndrome 5. Last evaluated: 2024-12-26. Review status: criteria provided, single submitter. Criteria: Myriad Autosomal Dominant, Autosomal Recessive and X-Linked Classification Criteria (2023). Collection method: clinical testing. Allele origin: unknown.
Comment: This variant is considered benign. This variant is a silent/synonymous amino acid change and it is not expected to impact splicing.

Labcorp Genetics (formerly Invitae), Labcorp
Classification: Likely benign for Hereditary nonpolyposis colorectal neoplasms. Last evaluated: 2022-06-01. Review status: criteria provided, single submitter. Criteria: Invitae Variant Classification Sherloc (09022015). Collection method: clinical testing. Allele origin: germline.

Women's Health and Genetics/Laboratory Corporation of America, LabCorp
Classification: Likely benign. Last evaluated: 2019-09-05. Review status: criteria provided, single submitter. Criteria: LabCorp Variant Classification Summary - May 2015. Collection method: clinical testing. Allele origin: germline.

University of Washington Department of Laboratory Medicine, University of Washington
Classification: Uncertain significance for Lynch syndrome. Last evaluated: 2018-05-01. Review status: criteria provided, single submitter. Criteria: Shirts BH et al. (Am J Hum Genet 2018). Collection method: clinical testing. Allele origin: somatic. Affected: yes.
Comment: MSH6 NM_000179.2:c.1290G>A has a 14.1% probability of pathogenicity based on combining prior probability from public data with a likelihood ratio of 0.16 to 1, generated from evidence of seeing this as a somatic mutation in a tumor with loss of heterozygosity at the MSH6 locus. See Shirts et al 2018, PMID 29887214.